The following is an entry in ClinVar:

ClinVar aggregate classification (germline): Uncertain significance (1 of 4 stars; one submission).

Conditions:
Sifrim-Hitz-Weiss syndrome (SIHIWES). Also called: SIFRIM-HITZ-WEISS MULTIPLE CONGENITAL ANOMALIES-MENTAL RETARDATION SYNDROME; CHD4 Neurodevelopmental Disorder. Identifiers: Orphanet 653712, MedGen C4310688, MONDO:0014946, OMIM 617159.

Submission:

Dasa
Classification: Uncertain significance for Sifrim-Hitz-Weiss syndrome. Last evaluated: 2026-03-24. Review status: criteria provided, single submitter. Criteria: DASA Assertion Criteria. Collection method: clinical testing. Allele origin: germline.
Comment: NM_001273.5(CHD4):c.88C>T (p.Pro30Ser) is a missense variant that results in the substitution of proline with serine. This variant is rare in population databases. The currently available literature and clinical evidence are not sufficient to establish a definitive association between this variant and the reported condition. Therefore, this variant is classified as a variant of uncertain significance.

NM_001273.5(CHD4):c.88C>T (p.Pro30Ser)

Gene: CHD4 (chromodomain helicase DNA binding protein 4; minus strand). Cytogenetic location: 12p13.31.
Variant type: single nucleotide variant.
Coding change: c.88C>T on transcript NM_001273.5 (MANE Select); coding-DNA position 88, C replaced by T.
Protein change: p.Pro30Ser; replaces proline 30 with serine.
Molecular consequence: missense variant.
Genome position (GRCh38, 1-based): chr12:6,606,286, G>A on the plus strand (C>T on the coding strand, the complement: CHD4 is on the minus strand). VCF-style: chr12-6606286-G-A. GRCh37 (hg19) VCF-style: chr12-6715452-G-A.
Other names: c.88C>T, p.Pro30Ser (NM_001297553.2, NM_001363606.2); short protein forms P30S.
Identifiers: ClinVar variation 4882825 (VCV004882825.2).